The following is an entry in ClinVar:

NM_001378609.3(OTOGL):c.3892G>A (p.Glu1298Lys)

Gene: OTOGL (otogelin like; plus strand). Cytogenetic location: 12q21.31.
Variant type: single nucleotide variant.
Coding change: c.3892G>A on transcript NM_001378609.3 (MANE Select); coding-DNA position 3892, G replaced by A.
Protein change: p.Glu1298Lys; replaces glutamic acid 1298 with lysine.
Molecular consequence: missense variant.
Genome position (GRCh38, 1-based): chr12:80,320,511, G>A. VCF-style: chr12-80320511-G-A. GRCh37 (hg19) VCF-style: chr12-80714291-G-A.
Other names: c.3865G>A (NM_173591.3); c.3757G>A, p.Glu1253Lys (NM_001368062.3); c.3892G>A, p.Glu1298Lys (NM_001378610.3, NM_173591.7); short protein forms E1253K, E1298K.
Identifiers: ClinVar variation 1429098 (VCV001429098.9), dbSNP rs568960027, ClinGen allele CA6701202.

ClinVar aggregate classification (germline): Uncertain significance. Review status: criteria provided, multiple submitters, no conflicts (2 of 4 stars). 2 submissions from 2 submitters: Uncertain significance (2). Last evaluated 2024-04-18.

Allele frequency attached by ClinVar (database versions not stated): gnomAD 0.00001; gnomAD exomes 0.00001 and 0.00005; TOPMed 0.00001; ExAC 0.00007; 1000 Genomes Project 0.00020.
gnomAD v4.1: 20 of 1,613,632 alleles (0.0012%); highest among the groups gnomAD compares: South Asian, 0.0077%; no homozygotes.

Submissions (2):

Labcorp Genetics (formerly Invitae), Labcorp
Classification: Uncertain significance. Last evaluated: 2024-04-18. Review status: criteria provided, single submitter. Criteria: Invitae Variant Classification Sherloc (09022015). Collection method: clinical testing. Allele origin: germline.
Comment: This sequence change replaces glutamic acid, which is acidic and polar, with lysine, which is basic and polar, at codon 1289 of the OTOGL protein (p.Glu1289Lys). This variant is present in population databases (rs568960027, gnomAD 0.02%). This variant has not been reported in the literature in individuals affected with OTOGL-related conditions. ClinVar contains an entry for this variant (Variation ID: 1429098). Algorithms developed to predict the effect of missense changes on protein structure and function output the following: SIFT: "Not Available"; PolyPhen-2: "Benign"; Align-GVGD: "Not Available". The lysine amino acid residue is found in multiple mammalian species, which suggests that this missense change does not adversely affect protein function. In summary, the available evidence is currently insufficient to determine the role of this variant in disease. Therefore, it has been classified as a Variant of Uncertain Significance.

GeneDx
Classification: Uncertain significance. Last evaluated: 2024-02-09. Review status: criteria provided, single submitter. Criteria: GeneDx Variant Classification Process June 2021. Collection method: clinical testing. Allele origin: germline. Affected: yes.
Comment: In silico analysis supports that this missense variant does not alter protein structure/function; Has not been previously published as pathogenic or benign to our knowledge